The following is an entry in ClinVar:

NM_005859.5(PURA):c.132CGG[3] (p.Gly48_Gly49del)

Gene: PURA (purine rich element binding protein A; plus strand). Cytogenetic location: 5q31.3.
Variant type: Microsatellite.
Coding change: c.132CGG[3] on transcript NM_005859.5 (MANE Select); three copies in a row of the 3-base unit CGG starting at c.132; the reference has five copies in a row; two copies, 6 bases deleted.
Protein change: p.Gly48_Gly49del.
Molecular consequence: inframe deletion.
Genome position (GRCh38, 1-based): chr5:140,114,322-140,114,327, CGGCGG deleted; deleting any 6 consecutive bases within chr5:140,114,311-140,114,327 gives the same sequence; the position shown is the placement nearest the transcript's 3' end. VCF-style (leftmost placement, unchanged base first): chr5-140114310-TGGCGGC-T. GRCh37 (hg19) VCF-style: chr5-139493895-TGGCGGC-T.
Identifiers: ClinVar variation 624066 (VCV000624066.53), dbSNP rs754074166, ClinGen allele CA128789397.
Genomic context (GRCh38, chr5:140,114,310, plus strand): 5'-CCCCGGCTCGGGCTCAGGCTCCGGCGGGGGCGGTGGTGGCGGCGGGGGCGGCGGCGGCAG[TGGCGGC>T]GGCGGCGGCGGGGCCCCAGGGGGGCTGCAGCACGAGACGCAGGAGCTGGCCTCCAAGCGG-3'

ClinVar aggregate classification (germline): Likely benign. Review status: criteria provided, multiple submitters, no conflicts (2 of 4 stars). 3 submissions from 3 submitters: Likely benign (3). Last evaluated 2026-01-05.

Conditions:
PURA-related severe neonatal hypotonia-seizures-encephalopathy syndrome (NEDRIHF). Also called: NEURODEVELOPMENTAL DISORDER WITH NEONATAL RESPIRATORY INSUFFICIENCY, HYPOTONIA, AND FEEDING DIFFICULTIES; PURA-Related Neurodevelopmental Disorders. Identifiers: Orphanet 438213, Orphanet 438216, MedGen C4015357, MONDO:1060108, OMIM 616158, MONDO:0018580.

Submissions (3):

Labcorp Genetics (formerly Invitae), Labcorp
Classification: Likely benign for PURA-related severe neonatal hypotonia-seizures-encephalopathy syndrome. Last evaluated: 2026-01-05. Review status: criteria provided, single submitter. Criteria: Invitae Variant Classification Sherloc (09022015). Collection method: clinical testing. Allele origin: germline.

CeGaT Center for Human Genetics Tuebingen
Classification: Likely benign. Last evaluated: 2023-09-01. Review status: criteria provided, single submitter. Criteria: CeGaT Center For Human Genetics Tuebingen Variant Classification Criteria Version 2. Collection method: clinical testing. Allele origin: germline. Affected: yes. Observed: 2 variant alleles.
Comment: PURA: BP3

GeneDx
Classification: Likely benign. Last evaluated: 2021-11-12. Review status: criteria provided, single submitter. Criteria: GeneDx Variant Classification Process June 2021. Collection method: clinical testing. Allele origin: germline. Affected: yes.
Comment: Has not been previously published as pathogenic or benign to our knowledge; In-frame deletion of 2 amino acids in a repetitive region with no known function